The following is an entry in ClinVar:

ClinVar aggregate classification (germline): Pathogenic. Review status: criteria provided, multiple submitters, no conflicts (2 of 4 stars). 2 submissions from 2 submitters: Pathogenic (2). Last evaluated 2024-05-08.

Conditions:
Neuronal ceroid lipofuscinosis. Also called: Neuronal Ceroid Lipofuscinoses. Identifiers: Orphanet 216, Orphanet 79263, MedGen C0027877, MONDO:0016295. Disease mechanism: loss of function.
Neuronal ceroid lipofuscinosis 5 (CLN5). Also called: CEROID LIPOFUSCINOSIS, NEURONAL, 5, VARIABLE AGE AT ONSET; CLN5-Related Neuronal Ceroid-Lipofuscinosis; Neuronal ceroid lipofuscinosis Finnish variant; NEURONAL CEROID LIPOFUSCINOSIS, LATE INFANTILE, FINNISH VARIANT. Identifiers: Orphanet 168491, Orphanet 228360, MedGen C1850442, MONDO:0009745, OMIM 256731.

Submissions (2):

Labcorp Genetics (formerly Invitae), Labcorp
Classification: Pathogenic for Neuronal ceroid lipofuscinosis. Last evaluated: 2024-05-08. Review status: criteria provided, single submitter. Criteria: Invitae Variant Classification Sherloc (09022015). Collection method: clinical testing. Allele origin: germline.
Comment: This sequence change creates a premature translational stop signal (p.Trp184*) in the CLN5 gene. It is expected to result in an absent or disrupted protein product. Loss-of-function variants in CLN5 are known to be pathogenic (PMID: 20157158). This variant is not present in population databases (gnomAD no frequency). This variant has not been reported in the literature in individuals affected with CLN5-related conditions. ClinVar contains an entry for this variant (Variation ID: 1425365). For these reasons, this variant has been classified as Pathogenic.

Baylor Genetics
Classification: Pathogenic for Neuronal ceroid lipofuscinosis 5. Last evaluated: 2024-03-13. Review status: criteria provided, single submitter. Criteria: ACMG Guidelines, 2015. Collection method: clinical testing. Allele origin: unknown.

Literature cited by the submitters: PubMed 20157158 (cited by Labcorp Genetics (formerly Invitae), Labcorp).

NM_006493.4(CLN5):c.404G>A (p.Trp135Ter)

Gene: CLN5 (CLN5 lysosomal BMP synthase; plus strand). Cytogenetic location: 13q22.3.
Variant type: single nucleotide variant.
Coding change: c.404G>A on transcript NM_006493.4 (MANE Select); coding-DNA position 404, G replaced by A.
Protein change: p.Trp135Ter; replaces tryptophan 135 with a stop codon.
Molecular consequence: nonsense.
Genome position (GRCh38, 1-based): chr13:76,995,966, G>A. VCF-style: chr13-76995966-G-A. GRCh37 (hg19) VCF-style: chr13-77570101-G-A.
Other names: c.404G>A, p.Trp135Ter (NM_001366624.2); short protein forms W135*.
Identifiers: ClinVar variation 1425365 (VCV001425365.7), dbSNP rs2154034716, ClinGen allele CA388308856.